The following is an entry in ClinVar:

ClinVar aggregate classification (germline): Pathogenic/Likely pathogenic. Review status: criteria provided, multiple submitters, no conflicts (2 of 4 stars). 5 submissions from 5 submitters: Pathogenic (3); Likely pathogenic (2). Last evaluated 2025-06-12.

Conditions:
SPRED1-related disorder. Also called: SPRED1-related condition.
Legius syndrome. Identifiers: Orphanet 137605, MedGen C1969623, MONDO:0012669, OMIM 611431. Disease mechanism: loss of function.
Noonan syndrome and Noonan-related syndrome. Identifiers: Orphanet 98733, MedGen C5681679, MONDO:0020297.

Submissions (5):

GeneDx
Classification: Pathogenic. Last evaluated: 2025-06-12. Review status: criteria provided, single submitter. Criteria: GeneDx Variant Classification Process June 2021. Collection method: clinical testing. Allele origin: germline. Affected: yes.
Comment: Frameshift variant predicted to result in abnormal protein length as the last 95 amino acids are replaced with 51 different amino acids, and other similar variants have been reported in HGMD; Has not been previously published as pathogenic or benign to our knowledge; Not observed at significant frequency in large population cohorts (gnomAD); This variant is associated with the following publications: (PMID: 19366998, 21089071)

Labcorp Genetics (formerly Invitae), Labcorp
Classification: Pathogenic for Legius syndrome. Last evaluated: 2025-05-02. Review status: criteria provided, single submitter. Criteria: Invitae Variant Classification Sherloc (09022015). Collection method: clinical testing. Allele origin: germline.
Comment: This sequence change creates a premature translational stop signal (p.Gly350Metfs*52) in the SPRED1 gene. While this is not anticipated to result in nonsense mediated decay, it is expected to disrupt the last 95 amino acid(s) of the SPRED1 protein. This variant is not present in population databases (gnomAD no frequency). This premature translational stop signal has been observed in individuals with Legius syndrome (PMID: 19366998, 21089071). Invitae Evidence Modeling of clinical and family history, age, sex, and reported ancestry of multiple individuals with this SPRED1 variant has been performed. This variant is expected to be pathogenic with a positive predictive value of at least 99%. This is a validated machine learning model that incorporates the clinical features of 198,265 individuals referred to our laboratory for SPRED1 testing. This variant is also known as 1048_1060del. ClinVar contains an entry for this variant (Variation ID: 1334204). This variant disrupts a region of the SPRED1 protein in which other variant(s) (p.Gly385Ilefs*20) have been determined to be pathogenic (PMID: 17704776, 21089071). This suggests that this is a clinically significant region of the protein, and that variants that disrupt it are likely to be disease-causing. For these reasons, this variant has been classified as Pathogenic.

Laboratorio de Genetica e Diagnostico Molecular, Hospital Israelita Albert Einstein
Classification: Pathogenic for Legius syndrome. Last evaluated: 2024-05-15. Review status: criteria provided, single submitter. Criteria: ACMG Guidelines, 2015. Collection method: clinical testing. Allele origin: germline. Affected: yes.
Comment: ACMG classification criteria: PVS1 strong, PS4 supporting, PM2 supporting, PP1 strong

Genome Diagnostics Laboratory, The Hospital for Sick Children
Classification: Likely pathogenic for Noonan syndrome and Noonan-related syndrome. Last evaluated: 2019-11-01. Review status: criteria provided, single submitter. Criteria: ACMG Guidelines, 2015. Collection method: clinical testing. Allele origin: germline. Affected: yes.

Blueprint Genetics
Classification: Likely pathogenic for SPRED1-related disorders. Last evaluated: 2019-04-25. Review status: criteria provided, single submitter. Criteria: ACMG Guidelines, 2015. Collection method: clinical testing. Allele origin: germline. Affected: yes. Observed: 1 variant allele.

Literature cited by the submitters: PubMed 19366998 (cited by Labcorp Genetics (formerly Invitae), Labcorp); PubMed 21089071 (cited by Labcorp Genetics (formerly Invitae), Labcorp); PubMed 17704776 (cited by Labcorp Genetics (formerly Invitae), Labcorp).

NM_152594.3(SPRED1):c.1044_1056del (p.Gly350fs)

Gene: SPRED1 (sprouty related EVH1 domain containing 1; plus strand). Cytogenetic location: 15q14.
Variant type: Deletion.
Coding change: c.1044_1056del on transcript NM_152594.3 (MANE Select); coding-DNA positions 1044 to 1056, 13 bases deleted (TAGGGGAAAATGT).
Protein change: p.Gly350fs; shifts the reading frame from glycine 350.
Molecular consequence: frameshift variant.
Genome position (GRCh38, 1-based): chr15:38,351,373-38,351,385, TAGGGGAAAATGT deleted; deleting any 13 consecutive bases within chr15:38,351,365-38,351,385 gives the same sequence; the c. name uses the placement nearest the transcript's 3' end. VCF-style (leftmost placement, unchanged base first): chr15-38351364-AGAAAATGTTAGGG-A. GRCh37 (hg19) VCF-style: chr15-38643565-AGAAAATGTTAGGG-A.
Other names: c.1044_1056del (NM_152594.2); short protein forms G350fs.
Identifiers: ClinVar variation 1334204 (VCV001334204.12), dbSNP rs2141016462, ClinGen allele CA617561334.